The following is an entry in ClinVar:

ClinVar aggregate classification (germline): Uncertain significance (1 of 4 stars; one submission).

gnomAD v4.1: 4 of 1,613,984 alleles (0.00025%); highest among the groups gnomAD compares: Admixed American, 0.0017%; no homozygotes.

Submission:

GeneDx
Classification: Uncertain significance. Last evaluated: 2022-10-24. Review status: criteria provided, single submitter. Criteria: GeneDx Variant Classification Process June 2021. Collection method: clinical testing. Allele origin: germline. Affected: yes.
Comment: Not observed at significant frequency in large population cohorts (gnomAD); In silico analysis supports that this variant does not alter splicing; Has not been previously published as pathogenic or benign to our knowledge

NM_017780.4(CHD7):c.1122C>T (p.Asn374=)

Gene: CHD7 (chromodomain helicase DNA binding protein 7; plus strand). Cytogenetic location: 8q12.2.
Variant type: single nucleotide variant.
Coding change: c.1122C>T on transcript NM_017780.4 (MANE Select); coding-DNA position 1122, C replaced by T.
Protein change: p.Asn374=; no amino-acid change (asparagine 374 retained).
Molecular consequence: synonymous variant.
Genome position (GRCh38, 1-based): chr8:60,742,554, C>T. VCF-style: chr8-60742554-C-T. GRCh37 (hg19) VCF-style: chr8-61655113-C-T.
Other names: c.1122C>T, p.Asn374= (NM_001316690.1).
Identifiers: ClinVar variation 2499941 (VCV002499941.1), dbSNP rs2487276895, ClinGen allele CA461103799.